The following is an entry in ClinVar:

ClinVar aggregate classification (germline): Uncertain significance (1 of 4 stars; one submission).

Conditions:
Dilated cardiomyopathy 1HH (CMD1HH). Identifiers: Orphanet 154, MedGen C3151293, MONDO:0013479, OMIM 613881.

Submission:

Institute of Human Genetics, University of Leipzig Medical Center
Classification: Uncertain significance for Dilated cardiomyopathy 1HH. Last evaluated: 2024-04-11. Review status: criteria provided, single submitter. Criteria: ACMG Guidelines, 2015. Collection method: clinical testing. Allele origin: unknown. Inheritance: Autosomal dominant inheritance. Affected: yes.
Comment: Criteria applied: PM2,PP3

NM_004281.4(BAG3):c.508-8T>A

Gene: BAG3 (BAG cochaperone 3; plus strand). Cytogenetic location: 10q26.11.
Variant type: single nucleotide variant.
Coding change: c.508-8T>A on transcript NM_004281.4 (MANE Select); 8 bases into the intron before coding-DNA position 508, T replaced by A.
Molecular consequence: intron variant.
Genome position (GRCh38, 1-based): chr10:119,672,247, T>A. VCF-style: chr10-119672247-T-A. GRCh37 (hg19) VCF-style: chr10-121431759-T-A.
Identifiers: ClinVar variation 3358945 (VCV003358945.3).